The following is an entry in ClinVar:

ClinVar aggregate classification (germline): Uncertain significance (1 of 4 stars; one submission).

Submission:

Labcorp Genetics (formerly Invitae), Labcorp
Classification: Uncertain significance. Last evaluated: 2022-11-03. Review status: criteria provided, single submitter. Criteria: Invitae Variant Classification Sherloc (09022015). Collection method: clinical testing. Allele origin: germline.
Comment: This variant, c.1037_1042del, results in the deletion of 2 amino acid(s) of the PPP1R12A protein (p.Glu346_Glu347del), but otherwise preserves the integrity of the reading frame. This variant is present in population databases (no rsID available, gnomAD 0.1%). This variant has not been reported in the literature in individuals affected with PPP1R12A-related conditions. Experimental studies and prediction algorithms are not available or were not evaluated, and the functional significance of this variant is currently unknown. In summary, the available evidence is currently insufficient to determine the role of this variant in disease. Therefore, it has been classified as a Variant of Uncertain Significance.

NM_002480.3(PPP1R12A):c.1031AAG[2] (p.Glu346_Glu347del)

Gene: PPP1R12A (protein phosphatase 1 regulatory subunit 12A; minus strand). Cytogenetic location: 12q21.2.
Variant type: Microsatellite.
Coding change: c.1031AAG[2] on transcript NM_002480.3 (MANE Select); two copies in a row of the 3-base unit AAG starting at c.1031; the reference has four copies in a row; two copies, 6 bases deleted.
Protein change: p.Glu346_Glu347del.
Molecular consequence: inframe deletion.
Genome position (GRCh38, 1-based): chr12:79,820,846-79,820,851, CTTCTT deleted on the plus strand (AAGAAG on the coding strand, the reverse complement: PPP1R12A is on the minus strand); deleting any 6 consecutive bases within chr12:79,820,846-79,820,858 gives the same sequence; the position shown is the placement nearest the transcript's 3' end. VCF-style (leftmost placement, unchanged base first): chr12-79820845-CCTTCTT-C. GRCh37 (hg19) VCF-style: chr12-80214625-CCTTCTT-C.
Other names: c.1031AAG[2], p.Glu346_Glu347del (NM_001143885.2, NM_001244990.2, NM_001244992.1); c.770AAG[2], p.Glu259_Glu260del (NM_001143886.2).
Identifiers: ClinVar variation 2772137 (VCV002772137.3), dbSNP rs756021369, ClinGen allele CA240173258.